The following is an entry in ClinVar:

ClinVar aggregate classification (germline): Uncertain significance. Review status: criteria provided, single submitter (1 of 4 stars). 2 submissions from 2 submitters: Uncertain significance (1). 1 of the submissions does not count toward it. Last evaluated 2024-03-21.

Conditions:
TALDO1-related disorder. Also called: TALDO1-related condition.

Allele frequency attached by ClinVar (database versions not stated): gnomAD exomes 0.00001; ExAC 0.00005; ESP Exome Variant Server 0.00008.
gnomAD v4.1: 12 of 1,596,942 alleles (0.00075%); highest among the groups gnomAD compares: Middle Eastern, 0.017%; no homozygotes.

Submissions (2):

Labcorp Genetics (formerly Invitae), Labcorp
Classification: Uncertain significance. Last evaluated: 2024-03-21. Review status: criteria provided, single submitter. Criteria: Invitae Variant Classification Sherloc (09022015). Collection method: clinical testing. Allele origin: germline.
Comment: This sequence change replaces phenylalanine, which is neutral and non-polar, with isoleucine, which is neutral and non-polar, at codon 21 of the TALDO1 protein (p.Phe21Ile). This variant is present in population databases (rs149073638, gnomAD 0.01%). This variant has not been reported in the literature in individuals affected with TALDO1-related conditions. Advanced modeling of protein sequence and biophysical properties (such as structural, functional, and spatial information, amino acid conservation, physicochemical variation, residue mobility, and thermodynamic stability) performed at Invitae indicates that this missense variant is not expected to disrupt TALDO1 protein function with a negative predictive value of 80%. In summary, the available evidence is currently insufficient to determine the role of this variant in disease. Therefore, it has been classified as a Variant of Uncertain Significance.

PreventionGenetics, part of Exact Sciences
Classification: Uncertain significance for TALDO1-related condition. Last evaluated: 2024-07-02. Review status: no assertion criteria provided. Collection method: clinical testing. Allele origin: germline. Not counted in ClinVar's aggregate classification.
Comment: The TALDO1 c.61T>A variant is predicted to result in the amino acid substitution p.Phe21Ile. To our knowledge, this variant has not been reported in the literature. This variant is reported in 0.015% of alleles in individuals of South Asian descent in gnomAD. At this time, the clinical significance of this variant is uncertain due to the absence of conclusive functional and genetic evidence.

NM_006755.2(TALDO1):c.61T>A (p.Phe21Ile)

Gene: TALDO1 (transaldolase 1; plus strand). Cytogenetic location: 11p15.5.
Variant type: single nucleotide variant.
Coding change: c.61T>A on transcript NM_006755.2 (MANE Select); coding-DNA position 61, T replaced by A.
Protein change: p.Phe21Ile; replaces phenylalanine 21 with isoleucine.
Molecular consequence: missense variant.
Genome position (GRCh38, 1-based): chr11:747,542, T>A. VCF-style: chr11-747542-T-A. GRCh37 (hg19) VCF-style: chr11-747542-T-A.
Other names: short protein forms F21I.
Identifiers: ClinVar variation 3046090 (VCV003046090.3), dbSNP rs149073638, ClinGen allele CA5787990.